The following is an entry in ClinVar:

ClinVar aggregate classification (germline): Uncertain significance (1 of 4 stars; one submission).

Conditions:
Baller-Gerold syndrome (BGS). Also called: CRANIOSYNOSTOSIS WITH RADIAL DEFECTS. Identifiers: Orphanet 1225, MedGen C0265308, MONDO:0009039, OMIM 218600.

Submission:

Labcorp Genetics (formerly Invitae), Labcorp
Classification: Uncertain significance for Baller-Gerold syndrome. Last evaluated: 2025-03-24. Review status: criteria provided, single submitter. Criteria: Invitae Variant Classification Sherloc (09022015). Collection method: clinical testing. Allele origin: germline.
Comment: This sequence change replaces alanine, which is neutral and non-polar, with glycine, which is neutral and non-polar, at codon 67 of the RECQL4 protein (p.Ala67Gly). This variant is not present in population databases (gnomAD no frequency). This variant has not been reported in the literature in individuals affected with RECQL4-related conditions. Experimental studies and prediction algorithms are not available or were not evaluated, and the functional significance of this variant is currently unknown. In summary, the available evidence is currently insufficient to determine the role of this variant in disease. Therefore, it has been classified as a Variant of Uncertain Significance.

NM_004260.4(RECQL4):c.200C>G (p.Ala67Gly)

Gene: RECQL4 (RecQ like helicase 4; minus strand). Cytogenetic location: 8q24.3.
Variant type: single nucleotide variant.
Coding change: c.200C>G on transcript NM_004260.4 (MANE Select); coding-DNA position 200, C replaced by G.
Protein change: p.Ala67Gly; replaces alanine 67 with glycine.
Molecular consequence: missense variant. On other transcripts: 5 prime UTR variant (16), non-coding transcript variant (3), intron variant (2).
Genome position (GRCh38, 1-based): chr8:144,517,427, G>C on the plus strand (C>G on the coding strand, the complement: RECQL4 is on the minus strand). VCF-style: chr8-144517427-G-C. GRCh37 (hg19) VCF-style: chr8-145742811-G-C.
Other names: c.200C>G, p.Ala67Gly (NM_001413020.1, NM_001413029.1, NM_001413033.1 and 5 more transcripts); c.-521C>G (NM_001413021.1); c.-872C>G (NM_001413022.1, NM_001413023.1, NM_001413037.1 and 2 more transcripts); c.-769C>G (NM_001413024.1, NM_001413035.1); c.-934C>G (NM_001413027.1, NM_001413030.1, NM_001413031.1 and 1 more transcripts); c.-597C>G (NM_001413028.1); c.-831C>G (NM_001413032.1); c.-776C>G (NM_001413034.1); and 3 more; short protein forms A67G.
Identifiers: ClinVar variation 4741495 (VCV004741495.1).